The following is an entry in ClinVar:

NM_001853.4(COL9A3):c.587G>C (p.Gly196Ala)

Gene: COL9A3 (collagen type IX alpha 3 chain; plus strand). Cytogenetic location: 20q13.33.
Variant type: single nucleotide variant.
Coding change: c.587G>C on transcript NM_001853.4 (MANE Select); coding-DNA position 587, G replaced by C.
Protein change: p.Gly196Ala; replaces glycine 196 with alanine.
Molecular consequence: missense variant.
Genome position (GRCh38, 1-based): chr20:62,824,978, G>C. VCF-style: chr20-62824978-G-C. GRCh37 (hg19) VCF-style: chr20-61456330-G-C.
Other names: short protein forms G196A.
Identifiers: ClinVar variation 1721905 (VCV001721905.5), dbSNP rs2516039504, ClinGen allele CA409590830.

ClinVar aggregate classification (germline): Uncertain significance (1 of 4 stars; one submission).

Submission:

Labcorp Genetics (formerly Invitae), Labcorp
Classification: Uncertain significance. Last evaluated: 2022-10-19. Review status: criteria provided, single submitter. Criteria: Invitae Variant Classification Sherloc (09022015). Collection method: clinical testing. Allele origin: germline.
Comment: In summary, the available evidence is currently insufficient to determine the role of this variant in disease. Therefore, it has been classified as a Variant of Uncertain Significance. Advanced modeling of protein sequence and biophysical properties (such as structural, functional, and spatial information, amino acid conservation, physicochemical variation, residue mobility, and thermodynamic stability) performed at Invitae indicates that this missense variant is expected to disrupt COL9A3 protein function. This variant has not been reported in the literature in individuals affected with COL9A3-related conditions. This variant is not present in population databases (gnomAD no frequency). This sequence change replaces glycine, which is neutral and non-polar, with alanine, which is neutral and non-polar, at codon 196 of the COL9A3 protein (p.Gly196Ala).